The following is an entry in ClinVar:

ClinVar aggregate classification (germline): Uncertain significance (1 of 4 stars; one submission).

Submission:

Labcorp Genetics (formerly Invitae), Labcorp
Classification: Uncertain significance. Last evaluated: 2024-02-06. Review status: criteria provided, single submitter. Criteria: Invitae Variant Classification Sherloc (09022015). Collection method: clinical testing. Allele origin: germline.
Comment: This sequence change replaces arginine, which is basic and polar, with cysteine, which is neutral and slightly polar, at codon 224 of the DGKZ protein (p.Arg224Cys). The frequency data for this variant in the population databases is considered unreliable, as metrics indicate poor data quality at this position in the gnomAD database. This variant has not been reported in the literature in individuals affected with DGKZ-related conditions. An algorithm developed to predict the effect of missense changes on protein structure and function (PolyPhen-2) suggests that this variant is likely to be disruptive. In summary, the available evidence is currently insufficient to determine the role of this variant in disease. Therefore, it has been classified as a Variant of Uncertain Significance.

NM_001199267.2(DGKZ):c.162-365C>T

Gene: DGKZ (diacylglycerol kinase zeta; plus strand). Cytogenetic location: 11p11.2.
Variant type: single nucleotide variant.
Coding change: c.162-365C>T on transcript NM_001199267.2 (MANE Select); 365 bases into the intron before coding-DNA position 162, C replaced by T.
Molecular consequence: intron variant. On other transcripts: missense variant (1).
Genome position (GRCh38, 1-based): chr11:46,366,926, C>T. VCF-style: chr11-46366926-C-T. GRCh37 (hg19) VCF-style: chr11-46388476-C-T.
Other names: c.162-365C>T (NM_001199268.2, NM_001199266.2, NM_003646.4); c.670C>T, p.Arg224Cys (NM_001105540.2); c.213-365C>T (NM_201532.3); c.177-365C>T (NM_201533.3); short protein forms R224C.
Identifiers: ClinVar variation 3628152 (VCV003628152.2).